The following is an entry in ClinVar:

NM_017671.5(FERMT1):c.770_778del (p.Leu257_Glu259del)

Gene: FERMT1 (FERM domain containing kindlin 1; minus strand). Cytogenetic location: 20p12.3.
Variant type: Deletion.
Coding change: c.770_778del on transcript NM_017671.5 (MANE Select); coding-DNA positions 770 to 778, 9 bases deleted (TTATGGAAC; older notation c.770_778delTTATGGAAC).
Protein change: p.Leu257_Glu259del.
Molecular consequence: inframe deletion.
Genome position (GRCh38, 1-based): chr20:6,107,603-6,107,611, GTTCCATAA deleted on the plus strand (TTATGGAAC on the coding strand, the reverse complement: FERMT1 is on the minus strand); deleting any 9 consecutive bases within chr20:6,107,603-6,107,612 gives the same sequence; the c. name uses the placement nearest the transcript's 3' end. VCF-style (leftmost placement, unchanged base first): chr20-6107602-TGTTCCATAA-T. GRCh37 (hg19) VCF-style: chr20-6088249-TGTTCCATAA-T.
Identifiers: ClinVar variation 4982697 (VCV004982697.1).

ClinVar aggregate classification (germline): Uncertain significance (1 of 4 stars; one submission).

Conditions:
FERMT1-related disorder. Also called: FERMT1-related condition.

Submission:

PreventionGenetics, part of Exact Sciences
Classification: Uncertain significance for FERMT1-related condition. Last evaluated: 2025-12-16. Review status: criteria provided, single submitter. Criteria: ACMG Guidelines, 2015. Collection method: clinical testing. Allele origin: germline.
Comment: The FERMT1 c.770_778del9 variant is predicted to result in an in-frame deletion (p.Leu257_Glu259del). To our knowledge, this variant has not been reported in the literature or in a large population database (gnomAD), indicating this variant is rare. At this time, the clinical significance of this variant is uncertain due to the absence of conclusive functional and genetic evidence.